The following is an entry in ClinVar:

NM_003227.4(TFR2):c.1235A>T (p.Asn412Ile)

Gene: TFR2 (transferrin receptor 2; minus strand). Cytogenetic location: 7q22.1.
Variant type: single nucleotide variant.
Coding change: c.1235A>T on transcript NM_003227.4 (MANE Select); coding-DNA position 1235, A replaced by T.
Protein change: p.Asn412Ile; replaces asparagine 412 with isoleucine.
Molecular consequence: missense variant.
Genome position (GRCh38, 1-based): chr7:100,630,924, T>A on the plus strand (A>T on the coding strand, the complement: TFR2 is on the minus strand). VCF-style: chr7-100630924-T-A. GRCh37 (hg19) VCF-style: chr7-100228547-T-A.
Other names: c.722A>T, p.Asn241Ile (NM_001206855.3); short protein forms N241I, N412I.
Identifiers: ClinVar variation 2581661 (VCV002581661.2), dbSNP rs1253038033, ClinGen allele CA368529425.
Genomic context (GRCh38, chr7:100,630,924, plus strand): 5'-GAGTGATACTGGACACACAGCATACCTGGCTCTGAGCGGCCTTCGATGCAGCCGAAGATG[T>A]TGTTGATGGGGGTGGAGGTCCTGTGATTGTTGACCACTAGCCGCAGTCGTGGCCCGGGGC-3'
Protein context (NP_003218.2, residues 402-422): NNHRTSTPIN[Asn412Ile]IFGCIEGRSE

ClinVar aggregate classification (germline): Conflicting classifications of pathogenicity. Review status: criteria provided, conflicting classifications (1 of 4 stars). 2 submissions from 2 submitters: Likely pathogenic (1); Uncertain significance (1). Last evaluated 2024-03-14.

Conditions:
Hemochromatosis type 3 (HFE3). Also called: HEMOCHROMATOSIS DUE TO DEFECT IN TRANSFERRIN RECEPTOR 2; Hereditary hemochromatosis type 3; TFR2-Related Hemochromatosis. Identifiers: Orphanet 225123, MedGen C1858664, MONDO:0011417, OMIM 604250.

Allele frequency attached by ClinVar (database versions not stated): TOPMed below 0.00001; gnomAD exomes 0.00001.
gnomAD v4.1: 3 of 1,612,996 alleles (0.00019%); highest among the groups gnomAD compares: Non-Finnish European, 0.00017%; no homozygotes.

Submissions (2):

Baylor Genetics
Classification: Likely pathogenic for Hemochromatosis type 3. Last evaluated: 2024-03-14. Review status: criteria provided, single submitter. Criteria: ACMG Guidelines, 2015. Collection method: clinical testing. Allele origin: unknown.

Women's Health and Genetics/Laboratory Corporation of America, LabCorp
Classification: Uncertain significance. Last evaluated: 2023-08-11. Review status: criteria provided, single submitter. Criteria: LabCorp Variant Classification Summary - May 2015. Collection method: clinical testing. Allele origin: germline.
Comment: Variant summary: TFR2 c.1235A>T (p.Asn412Ile) results in a non-conservative amino acid change located in the Peptidase M28 (IPR007484) of the encoded protein sequence. Four of five in-silico tools predict a damaging effect of the variant on protein function. The variant allele was found at a frequency of 1.2e-05 in 251204 control chromosomes (gnomAD). c.1235A>T has been reported in the literature in an individual(s) affected with Hemochromatosis Type 3 (Bardou_Jacquet_2013). These data indicate that the variant may be associated with disease. To our knowledge, no experimental evidence demonstrating an impact on protein function has been reported. The following publications have been ascertained in the context of this evaluation (PMID: 23600741, 26799139). No submitters have cited clinical-significance assessments for this variant to ClinVar after 2014. Based on the evidence outlined above, the variant was classified as VUS-possibly pathogenic.

Literature cited by the submitters: PubMed 26799139 (cited by Women's Health and Genetics/Laboratory Corporation of America, LabCorp); PubMed 23600741 (cited by Women's Health and Genetics/Laboratory Corporation of America, LabCorp).